The following is an entry in ClinVar:

ClinVar aggregate classification (germline): Uncertain significance. Review status: criteria provided, multiple submitters, no conflicts (2 of 4 stars). 2 submissions from 2 submitters: Uncertain significance (2). Last evaluated 2025-07-21.

Allele frequency attached by ClinVar (database versions not stated): gnomAD exomes below 0.00001; ExAC 0.00002; gnomAD 0.00003; TOPMed 0.00004.
gnomAD v4.1: 9 of 1,575,998 alleles (0.00057%); highest among the groups gnomAD compares: African/African-American, 0.013%; no homozygotes.

Submissions (2):

Labcorp Genetics (formerly Invitae), Labcorp
Classification: Uncertain significance. Last evaluated: 2025-07-21. Review status: criteria provided, single submitter. Criteria: Invitae Variant Classification Sherloc (09022015). Collection method: clinical testing. Allele origin: germline.
Comment: This sequence change replaces proline, which is neutral and non-polar, with leucine, which is neutral and non-polar, at codon 80 of the RELB protein (p.Pro80Leu). The frequency data for this variant in the population databases is considered unreliable, as metrics indicate poor data quality at this position in the gnomAD database. This variant has not been reported in the literature in individuals affected with RELB-related conditions. ClinVar contains an entry for this variant (Variation ID: 1383215). An algorithm developed to predict the effect of missense changes on protein structure and function (PolyPhen-2) suggests that this variant is likely to be tolerated. In summary, the available evidence is currently insufficient to determine the role of this variant in disease. Therefore, it has been classified as a Variant of Uncertain Significance.

Ambry Genetics
Classification: Uncertain significance. Last evaluated: 2022-03-16. Review status: criteria provided, single submitter. Criteria: Ambry Variant Classification Scheme 2023. Collection method: clinical testing. Allele origin: germline.

NM_006509.4(RELB):c.239C>T (p.Pro80Leu)

Gene: RELB (RELB proto-oncogene, NF-kB subunit; plus strand). Cytogenetic location: 19q13.32.
Variant type: single nucleotide variant.
Coding change: c.239C>T on transcript NM_006509.4 (MANE Select); coding-DNA position 239, C replaced by T.
Protein change: p.Pro80Leu; replaces proline 80 with leucine.
Molecular consequence: missense variant.
Genome position (GRCh38, 1-based): chr19:45,012,011, C>T. VCF-style: chr19-45012011-C-T. GRCh37 (hg19) VCF-style: chr19-45515269-C-T.
Other names: c.239C>T (NM_006509.3); short protein forms P80L.
Identifiers: ClinVar variation 1383215 (VCV001383215.9), dbSNP rs765948890, ClinGen allele CA9507518.